The following is an entry in ClinVar:

ClinVar aggregate classification (germline): Uncertain significance (1 of 4 stars; one submission).

Conditions:
Hereditary cancer-predisposing syndrome. Also called: Hereditary neoplastic syndrome; Neoplastic Syndromes, Hereditary; Tumor predisposition; Hereditary Cancer Syndrome. Identifiers: Orphanet 140162, MedGen C0027672, MeSH D009386, MONDO:0015356.

Submission:

Ambry Genetics
Classification: Uncertain significance for Hereditary cancer-predisposing syndrome. Last evaluated: 2024-12-20. Review status: criteria provided, single submitter. Criteria: Ambry Variant Classification Scheme 2023. Collection method: clinical testing. Allele origin: germline.
Comment: The p.V714M variant (also known as c.2140G>A), located in coding exon 14 of the CTNNA1 gene, results from a G to A substitution at nucleotide position 2140. The valine at codon 714 is replaced by methionine, an amino acid with highly similar properties. This amino acid position is conserved. In addition, the in silico prediction for this alteration is inconclusive. Based on the available evidence, the clinical significance of this variant remains unclear.

NM_001903.5(CTNNA1):c.2140G>A (p.Val714Met)

Gene: CTNNA1 (catenin alpha 1; plus strand). Cytogenetic location: 5q31.2.
Variant type: single nucleotide variant.
Coding change: c.2140G>A on transcript NM_001903.5 (MANE Select); coding-DNA position 2140, G replaced by A.
Protein change: p.Val714Met; replaces valine 714 with methionine.
Molecular consequence: missense variant.
Genome position (GRCh38, 1-based): chr5:138,930,602, G>A. VCF-style: chr5-138930602-G-A. GRCh37 (hg19) VCF-style: chr5-138266291-G-A.
Other names: c.2140G>A, p.Val714Met (NM_001290307.3, NM_001323982.2, NM_001323983.1 and 2 more transcripts); c.1831G>A, p.Val611Met (NM_001290309.3); c.1771G>A, p.Val591Met (NM_001290310.3); c.1030G>A, p.Val344Met (NM_001290312.1, NM_001323987.1, NM_001323988.1 and 17 more transcripts); c.2047G>A, p.Val683Met (NM_001323986.2); c.691G>A, p.Val231Met (NM_001324006.1, NM_001324007.1, NM_001324008.1 and 2 more transcripts); c.937G>A, p.Val313Met (NM_001324011.1); c.787G>A, p.Val263Met (NM_001324012.1, NM_001324013.1); short protein forms V263M, V683M, V611M, V714M, V313M, V344M, V591M, V231M.
Identifiers: ClinVar variation 3837158 (VCV003837158.1).